The following is an entry in ClinVar:

ClinVar aggregate classification (germline): Likely benign (1 of 4 stars; one submission).

gnomAD v4.1: 1 of 1,614,120 alleles (0.000062%); highest among the groups gnomAD compares: South Asian, 0.0011%; no homozygotes.

Submission:

CeGaT Center for Human Genetics Tuebingen
Classification: Likely benign. Last evaluated: 2025-07-01. Review status: criteria provided, single submitter. Criteria: CeGaT Center For Human Genetics Tuebingen Variant Classification Criteria Version 2. Collection method: clinical testing. Allele origin: germline. Affected: yes. Observed: 1 variant allele.
Comment: ACTN2: BP4, BP7

NM_001103.4(ACTN2):c.1230C>T (p.Ala410=)

Gene: ACTN2 (actinin alpha 2; plus strand). Cytogenetic location: 1q43.
Variant type: single nucleotide variant.
Coding change: c.1230C>T on transcript NM_001103.4 (MANE Select); coding-DNA position 1230, C replaced by T.
Protein change: p.Ala410=; no amino-acid change (alanine 410 retained).
Molecular consequence: synonymous variant. On other transcripts: non-coding transcript variant (1).
Genome position (GRCh38, 1-based): chr1:236,743,018, C>T. VCF-style: chr1-236743018-C-T. GRCh37 (hg19) VCF-style: chr1-236906318-C-T.
Other names: c.1230C>T, p.Ala410= (NM_001278343.2).
Identifiers: ClinVar variation 4085528 (VCV004085528.8).